The following is an entry in ClinVar:

NM_000553.6(WRN):c.1465C>T (p.Pro489Ser)

Gene: WRN (WRN RecQ like helicase; plus strand). Cytogenetic location: 8p12.
Variant type: single nucleotide variant.
Coding change: c.1465C>T on transcript NM_000553.6 (MANE Select); coding-DNA position 1465, C replaced by T.
Protein change: p.Pro489Ser; replaces proline 489 with serine.
Molecular consequence: missense variant.
Genome position (GRCh38, 1-based): chr8:31,087,809, C>T. VCF-style: chr8-31087809-C-T. GRCh37 (hg19) VCF-style: chr8-30945325-C-T.
Other names: short protein forms P489S.
Identifiers: ClinVar variation 962584 (VCV000962584.5), dbSNP rs1813591344, ClinGen allele CA370924321.

ClinVar aggregate classification (germline): Uncertain significance (1 of 4 stars; one submission).

Conditions:
Werner syndrome (WRN). Identifiers: Orphanet 902, MedGen C0043119, MONDO:0010196, OMIM 277700.

Submission:

Labcorp Genetics (formerly Invitae), Labcorp
Classification: Uncertain significance for Werner syndrome. Last evaluated: 2024-03-06. Review status: criteria provided, single submitter. Criteria: Invitae Variant Classification Sherloc (09022015). Collection method: clinical testing. Allele origin: germline.
Comment: This sequence change replaces proline, which is neutral and non-polar, with serine, which is neutral and polar, at codon 489 of the WRN protein (p.Pro489Ser). This variant is not present in population databases (gnomAD no frequency). This variant has not been reported in the literature in individuals affected with WRN-related conditions. ClinVar contains an entry for this variant (Variation ID: 962584). An algorithm developed to predict the effect of missense changes on protein structure and function (PolyPhen-2) suggests that this variant is likely to be tolerated. In summary, the available evidence is currently insufficient to determine the role of this variant in disease. Therefore, it has been classified as a Variant of Uncertain Significance.